The following is an entry in ClinVar:

NC_000009.11:g.(?_6587131)_(6589302_?)del

Gene: GLDC (glycine decarboxylase; minus strand). Cytogenetic location: 9p24.1.
Variant type: Deletion.
Identifiers: ClinVar variation 1454637 (VCV001454637.8).

ClinVar aggregate classification (germline): Pathogenic (1 of 4 stars; one submission).

Conditions:
Glycine encephalopathy. Also called: Non-ketotic hyperglycinemia; Nonketotic hyperglycinemia. Identifiers: Orphanet 407, MedGen C0751748, MONDO:0011612, HP:0008288.

Submission:

Labcorp Genetics (formerly Invitae), Labcorp
Classification: Pathogenic for Glycine encephalopathy. Last evaluated: 2022-01-03. Review status: criteria provided, single submitter. Criteria: Invitae Variant Classification Sherloc (09022015). Collection method: clinical testing. Allele origin: germline.
Comment: For these reasons, this variant has been classified as Pathogenic. A similar copy number variant has been observed in individual(s) with non-ketotic hyperglycinaemia (PMID: 17361008). This variant is a gross deletion of the genomic region encompassing exon(s) 12-15 of the GLDC gene. This deletion is out-of-frame, and is expected to create a premature termination codon and result in an absent or disrupted protein product. Loss-of-function variants in GLDC are known to be pathogenic (PMID: 16601880).

Literature cited by the submitters: PubMed 17361008; PubMed 16601880.